The following is an entry in ClinVar:

NM_001447.3(FAT2):c.6150_6151del (p.Val2051fs)

Genes: FAT2 (FAT atypical cadherin 2; minus strand), SLC36A1 (solute carrier family 36 member 1; plus strand). Cytogenetic location: 5q33.1.
Variant type: Deletion.
Coding change: c.6150_6151del on transcript NM_001447.3 (MANE Select); coding-DNA positions 6150 to 6151, 2 bases deleted (GG; older notation c.6150_6151delGG).
Protein change: p.Val2051fs; shifts the reading frame from valine 2051.
Molecular consequence: frameshift variant.
Genome position (GRCh38, 1-based): chr5:151,544,976-151,544,977, CC deleted on the plus strand (GG on the coding strand, the reverse complement: FAT2 is on the minus strand); deleting any 2 consecutive bases within chr5:151,544,976-151,544,978 gives the same sequence; the c. name uses the placement nearest the transcript's 3' end. VCF-style (leftmost placement, unchanged base first): chr5-151544975-ACC-A. GRCh37 (hg19) VCF-style: chr5-150924536-ACC-A.
Other names: short protein forms V2051fs.
Identifiers: ClinVar variation 3613687 (VCV003613687.2).
Genomic context (GRCh38, chr5:151,544,975, plus strand): 5'-TTAAATTTGGGGGGATTGTCATTGACATCCTCAATAGAGACTCTGACCAAACCCTGAGCC[ACC>A]CGCTGAGGTGTCCGATTGTCCCTCACTTCCACTGCCAACTCATGAGTGTCCTGCTGCTCC-3'

ClinVar aggregate classification (germline): Uncertain significance (1 of 4 stars; one submission).

Submission:

Labcorp Genetics (formerly Invitae), Labcorp
Classification: Uncertain significance. Last evaluated: 2024-12-16. Review status: criteria provided, single submitter. Criteria: Invitae Variant Classification Sherloc (09022015). Collection method: clinical testing. Allele origin: germline.
Comment: This sequence change creates a premature translational stop signal (p.Val2051Glyfs*10) in the FAT2 gene. It is expected to result in an absent or disrupted protein product. However, the current clinical and genetic evidence is not sufficient to establish whether loss-of-function variants in FAT2 cause disease. This variant is present in population databases (no rsID available, gnomAD 0.002%). This variant has not been reported in the literature in individuals affected with FAT2-related conditions. In summary, the available evidence is currently insufficient to determine the role of this variant in disease. Therefore, it has been classified as a Variant of Uncertain Significance.